The following is an entry in ClinVar:

ClinVar aggregate classification (germline): Uncertain significance (1 of 4 stars; one submission).

Conditions:
Epilepsy, childhood absence, susceptibility to, 5. Identifiers: Orphanet 64280, MedGen C2677087, MONDO:0012843, OMIM 612269.
Epilepsy, childhood absence, susceptibility to, 1. Also called: Epilepsy, childhood absence 1. Identifiers: Orphanet 64280, MedGen C1838604, MONDO:0020759, OMIM 600131.

Allele frequency attached by ClinVar (database versions not stated): ExAC 0.00001.

Submission:

Labcorp Genetics (formerly Invitae), Labcorp
Classification: Uncertain significance for Epilepsy, childhood absence, susceptibility to, 5; Epilepsy, childhood absence, susceptibility to, 1. Last evaluated: 2023-01-10. Review status: criteria provided, single submitter. Criteria: Invitae Variant Classification Sherloc (09022015). Collection method: clinical testing. Allele origin: germline.
Comment: In summary, the available evidence is currently insufficient to determine the role of this variant in disease. Therefore, it has been classified as a Variant of Uncertain Significance. Advanced modeling of protein sequence and biophysical properties (such as structural, functional, and spatial information, amino acid conservation, physicochemical variation, residue mobility, and thermodynamic stability) performed at Invitae indicates that this missense variant is not expected to disrupt GABRB3 protein function. This variant has not been reported in the literature in individuals affected with GABRB3-related conditions. This variant is present in population databases (rs747555032, gnomAD 0.0009%). This sequence change replaces serine, which is neutral and polar, with alanine, which is neutral and non-polar, at codon 371 of the GABRB3 protein (p.Ser371Ala).

NM_000814.6(GABRB3):c.1111T>G (p.Ser371Ala)

Gene: GABRB3 (gamma-aminobutyric acid type A receptor subunit beta3; minus strand). Cytogenetic location: 15q12.
Variant type: single nucleotide variant.
Coding change: c.1111T>G on transcript NM_000814.6 (MANE Select); coding-DNA position 1111, T replaced by G.
Protein change: p.Ser371Ala; replaces serine 371 with alanine.
Molecular consequence: missense variant.
Genome position (GRCh38, 1-based): chr15:26,548,104, A>C on the plus strand (T>G on the coding strand, the complement: GABRB3 is on the minus strand). VCF-style: chr15-26548104-A-C. GRCh37 (hg19) VCF-style: chr15-26793251-A-C.
Other names: c.898T>G, p.Ser300Ala (NM_001191321.3); c.856T>G, p.Ser286Ala (NM_001278631.2, NM_001191320.2); c.1111T>G, p.Ser371Ala (NM_021912.5); short protein forms S371A, S286A, S300A.
Identifiers: ClinVar variation 2940573 (VCV002940573.3), dbSNP rs747555032, ClinGen allele CA7437299.